The following is an entry in ClinVar:

ClinVar aggregate classification (germline): Uncertain significance (1 of 4 stars; one submission).

Conditions:
Kabuki syndrome. Also called: Kabuki make-up syndrome; NIIKAWA-KUROKI SYNDROME. Identifiers: Orphanet 2322, MedGen C0796004, MONDO:0016512.

Submission:

Labcorp Genetics (formerly Invitae), Labcorp
Classification: Uncertain significance for Kabuki syndrome. Last evaluated: 2025-07-30. Review status: criteria provided, single submitter. Criteria: Invitae Variant Classification Sherloc (09022015). Collection method: clinical testing. Allele origin: germline.
Comment: This variant, c.5846_5857del, results in the deletion of 4 amino acid(s) of the KMT2D protein (p.Gln1949_Phe1952del), but otherwise preserves the integrity of the reading frame. This variant is not present in population databases (gnomAD no frequency). This variant has not been reported in the literature in individuals affected with KMT2D-related conditions. ClinVar contains an entry for this variant (Variation ID: 1996996). Experimental studies and prediction algorithms are not available or were not evaluated, and the functional significance of this variant is currently unknown. In summary, the available evidence is currently insufficient to determine the role of this variant in disease. Therefore, it has been classified as a Variant of Uncertain Significance.

NM_003482.4(KMT2D):c.5846_5857del (p.Gln1949_Phe1952del)

Gene: KMT2D (lysine methyltransferase 2D; minus strand). Cytogenetic location: 12q13.12.
Variant type: Deletion.
Coding change: c.5846_5857del on transcript NM_003482.4 (MANE Select); coding-DNA positions 5846 to 5857, 12 bases deleted (AGTCCCCGTTCC).
Protein change: p.Gln1949_Phe1952del.
Molecular consequence: inframe deletion.
Genome position (GRCh38, 1-based): chr12:49,042,571-49,042,582, GGAACGGGGACT deleted on the plus strand (AGTCCCCGTTCC on the coding strand, the reverse complement: KMT2D is on the minus strand); deleting any 12 consecutive bases within chr12:49,042,571-49,042,584 gives the same sequence; the c. name uses the placement nearest the transcript's 3' end. VCF-style (leftmost placement, unchanged base first): chr12-49042570-AGGAACGGGGACT-A. GRCh37 (hg19) VCF-style: chr12-49436353-AGGAACGGGGACT-A.
Identifiers: ClinVar variation 1996996 (VCV001996996.4), dbSNP rs2498408930, ClinGen allele CA2580086392.